The following is an entry in ClinVar:

ClinVar aggregate classification (germline): Uncertain significance. Review status: criteria provided, multiple submitters, no conflicts (2 of 4 stars). 2 submissions from 2 submitters: Uncertain significance (2). Last evaluated 2025-08-04.

Conditions:
Inborn genetic diseases. Identifiers: MedGen C0950123, MeSH D030342.

gnomAD v4.1: 83 of 1,614,134 alleles (0.0051%); highest among the groups gnomAD compares: Non-Finnish European, 0.0057%; no homozygotes.

Submissions (2):

Ambry Genetics
Classification: Uncertain significance for Inborn genetic diseases. Last evaluated: 2025-08-04. Review status: criteria provided, single submitter. Criteria: Ambry Variant Classification Scheme 2023. Collection method: clinical testing. Allele origin: germline.

Labcorp Genetics (formerly Invitae), Labcorp
Classification: Uncertain significance. Last evaluated: 2025-04-22. Review status: criteria provided, single submitter. Criteria: Invitae Variant Classification Sherloc (09022015). Collection method: clinical testing. Allele origin: germline.
Comment: This sequence change replaces phenylalanine, which is neutral and non-polar, with leucine, which is neutral and non-polar, at codon 216 of the PPP1R15B protein (p.Phe216Leu). This variant is present in population databases (rs775658745, gnomAD 0.02%). This variant has not been reported in the literature in individuals affected with PPP1R15B-related conditions. ClinVar contains an entry for this variant (Variation ID: 3624582). Invitae Evidence Modeling of protein sequence and biophysical properties (such as structural, functional, and spatial information, amino acid conservation, physicochemical variation, residue mobility, and thermodynamic stability) indicates that this missense variant is not expected to disrupt PPP1R15B protein function with a negative predictive value of 80%. In summary, the available evidence is currently insufficient to determine the role of this variant in disease. Therefore, it has been classified as a Variant of Uncertain Significance.

NM_032833.5(PPP1R15B):c.648C>A (p.Phe216Leu)

Gene: PPP1R15B (protein phosphatase 1 regulatory subunit 15B; minus strand). Cytogenetic location: 1q32.1.
Variant type: single nucleotide variant.
Coding change: c.648C>A on transcript NM_032833.5 (MANE Select); coding-DNA position 648, C replaced by A.
Protein change: p.Phe216Leu; replaces phenylalanine 216 with leucine.
Molecular consequence: missense variant.
Genome position (GRCh38, 1-based): chr1:204,410,764, G>T on the plus strand (C>A on the coding strand, the complement: PPP1R15B is on the minus strand). VCF-style: chr1-204410764-G-T. GRCh37 (hg19) VCF-style: chr1-204379892-G-T.
Other names: c.648C>A (NM_032833.3); short protein forms F216L.
Identifiers: ClinVar variation 3624582 (VCV003624582.3).